The following is an entry in ClinVar:

ClinVar aggregate classification (germline): Uncertain significance (1 of 4 stars; one submission).

Conditions:
Neurodevelopmental disorder with microcephaly, cortical malformations, and spasticity. Also called: VANDERVORE-SCHOT SYNDROME. Identifiers: MedGen C5231480, MONDO:0032887, OMIM 618730.

gnomAD v4.1: 3 of 1,614,080 alleles (0.00019%); highest among the groups gnomAD compares: Middle Eastern, 0.05%; no homozygotes.

Submission:

3billion
Classification: Uncertain significance for Neurodevelopmental disorder with microcephaly, cortical malformations, and spasticity. Last evaluated: 2025-05-22. Review status: criteria provided, single submitter. Criteria: ACMG Guidelines, 2015. Collection method: clinical testing. Allele origin: germline. Affected: yes.
Comment: The variant is observed at an extremely low frequency in the gnomAD v4.1.0 dataset (total allele frequency: <0.001%). Predicted Consequence/Location: Missense variant In silico tool predictions suggest damaging effect of the variant on gene or gene product [3Cnet: 0.98 (> 0.75, sensitivity 0.96 and precision 0.92)]. Therefore, this variant is classified as VUS according to the recommendation of ACMG/AMP guideline.

NM_015959.4(TMX2):c.478G>T (p.Val160Leu)

Genes: TMX2 (thioredoxin related transmembrane protein 2; plus strand), TMX2-CTNND1 (TMX2-CTNND1 readthrough (NMD candidate); plus strand). Cytogenetic location: 11q12.1.
Variant type: single nucleotide variant.
Coding change: c.478G>T on transcript NM_015959.4 (MANE Select); coding-DNA position 478, G replaced by T.
Protein change: p.Val160Leu; replaces valine 160 with leucine.
Molecular consequence: missense variant. On other transcripts: non-coding transcript variant (4).
Genome position (GRCh38, 1-based): chr11:57,738,700, G>T. VCF-style: chr11-57738700-G-T. GRCh37 (hg19) VCF-style: chr11-57506172-G-T.
Other names: c.364G>T, p.Val122Leu (NM_001144012.3); c.478G>T, p.Val160Leu (NM_001347890.2, NM_001347898.2); c.394G>T, p.Val132Leu (NM_001347891.2); c.271G>T, p.Val91Leu (NM_001347892.2); c.196G>T, p.Val66Leu (NM_001347893.2, NM_001347894.2, NM_001347895.2 and 1 more transcripts); short protein forms V122L, V132L, V160L, V66L, V91L.
Identifiers: ClinVar variation 4855575 (VCV004855575.1).
Genomic context (GRCh38, chr11:57,738,700, plus strand): 5'-ACTTTTCTTCCCTGTATTTGGCAGGAGGAACTAGAACGGGACAAGAGGGTCACTTGGATT[G>T]TGGAGTTCTTTGCCAATTGGTCTAATGACTGCCAATCATTTGCCCCTATCTATGCTGACC-3'
Protein context (NP_057043.1, residues 150-170): LERDKRVTWI[Val160Leu]EFFANWSNDC